The following is an entry in ClinVar:

ClinVar aggregate classification (germline): Benign/Likely benign. Review status: criteria provided, multiple submitters, no conflicts (2 of 4 stars). 6 submissions from 5 submitters: Benign (5); Likely benign (1). Last evaluated 2026-08-01.

Conditions:
Developmental and epileptic encephalopathy, 14 (DEE14). Also called: Early infantile epileptic encephalopathy 14. Identifiers: Orphanet 293181, MedGen C3554195, MONDO:0013989, OMIM 614959.
Autosomal dominant nocturnal frontal lobe epilepsy 5. Also called: Epilepsy, nocturnal frontal lobe, 5; KCNT1-Related Epilepsy; CILIARY DYSKINESIA, PRIMARY, 28, WITHOUT SITUS INVERSUS; CILIARY DYSKINESIA, PRIMARY, 28, WITH SITUS INVERSUS. Identifiers: Orphanet 98784, MedGen C3554306, MONDO:0014002, OMIM 615005.

Allele frequency attached by ClinVar (database versions not stated): gnomAD below 0.00001 and 0.00031; TOPMed 0.00006; gnomAD exomes 0.00109; ExAC 0.00120; 1000 Genomes Project 0.00260; 1000 Genomes Project 30x 0.00265.
gnomAD v4.1: 798 of 1,604,588 alleles (0.05%); highest among the groups gnomAD compares: South Asian, 0.85%; 16 homozygotes.

Submissions (6):

CeGaT Center for Human Genetics Tuebingen
Classification: Likely benign. Last evaluated: 2026-08-01. Review status: criteria provided, single submitter. Criteria: CeGaT Center For Human Genetics Tuebingen Variant Classification Criteria Version 2. Collection method: clinical testing. Allele origin: germline. Affected: yes. Observed: 3 variant alleles.
Comment: KCNT1: BP4, BS2

Labcorp Genetics (formerly Invitae), Labcorp
Classification: Benign for Autosomal dominant nocturnal frontal lobe epilepsy 5; Developmental and epileptic encephalopathy, 14. Last evaluated: 2026-01-29. Review status: criteria provided, single submitter. Criteria: Invitae Variant Classification Sherloc (09022015). Collection method: clinical testing. Allele origin: germline.

Genome-Nilou Lab
Classification: Benign for Developmental and epileptic encephalopathy, 14. Last evaluated: 2022-03-15. Review status: criteria provided, single submitter. Criteria: ACMG Guidelines, 2015. Collection method: clinical testing. Allele origin: germline. Affected: no.

Genome-Nilou Lab
Classification: Benign for Autosomal dominant nocturnal frontal lobe epilepsy 5. Last evaluated: 2022-03-15. Review status: criteria provided, single submitter. Criteria: ACMG Guidelines, 2015. Collection method: clinical testing. Allele origin: germline. Affected: no.

Athena Diagnostics
Classification: Benign. Last evaluated: 2018-02-28. Review status: criteria provided, single submitter. Criteria: Athena Diagnostics Criteria. Collection method: clinical testing. Allele origin: germline.

GeneDx
Classification: Benign. Last evaluated: 2016-09-08. Review status: criteria provided, single submitter. Criteria: GeneDx Variant Classification (06012015). Collection method: clinical testing. Allele origin: germline. Affected: yes.
Comment: This variant is considered likely benign or benign based on one or more of the following criteria: it is a conservative change, it occurs at a poorly conserved position in the protein, it is predicted to be benign by multiple in silico algorithms, and/or has population frequency not consistent with disease.

NM_020822.3(KCNT1):c.2349+7C>T

Gene: KCNT1 (potassium sodium-activated channel subfamily T member 1; plus strand). Cytogenetic location: 9q34.3.
Variant type: single nucleotide variant.
Coding change: c.2349+7C>T on transcript NM_020822.3 (MANE Select); 7 bases into the intron after coding-DNA position 2349, C replaced by T.
Molecular consequence: intron variant.
Genome position (GRCh38, 1-based): chr9:135,775,422, C>T. VCF-style: chr9-135775422-C-T. GRCh37 (hg19) VCF-style: chr9-138667268-C-T.
Other names: c.2214+7C>T (NM_001272003.2).
Identifiers: ClinVar variation 241300 (VCV000241300.27), dbSNP rs190849453, ClinGen allele CA5327262.
Genomic context (GRCh38, chr9:135,775,422, plus strand): 5'-CTGTGCCACCTCCTGCCTGTGAAAGCCCCCTTCTGCTGCCTGCGGCTGGACAAGGTAAGG[C>T]TGGCGGCTCTGCCGCGCTCTGCACCCCCAGACGCCAGCACCGGGCCGTGCATACCTGCCC-3'